The following is an entry in ClinVar:

NM_003072.5(SMARCA4):c.847C>T (p.Pro283Ser)

Gene: SMARCA4 (SWI/SNF related BAF chromatin remodeling complex subunit ATPase 4; plus strand). Cytogenetic location: 19p13.2.
Variant type: single nucleotide variant.
Coding change: c.847C>T on transcript NM_003072.5 (MANE Select); coding-DNA position 847, C replaced by T.
Protein change: p.Pro283Ser; replaces proline 283 with serine.
Molecular consequence: missense variant. On other transcripts: non-coding transcript variant (1).
Genome position (GRCh38, 1-based): chr19:10,986,991, C>T. VCF-style: chr19-10986991-C-T. GRCh37 (hg19) VCF-style: chr19-11097667-C-T.
Other names: c.847C>T, p.Pro283Ser (NM_001128844.3, NM_001128845.2, NM_001128846.2 and 4 more transcripts); short protein forms P283S.
Identifiers: ClinVar variation 835073 (VCV000835073.13), dbSNP rs775769095, ClinGen allele CA9203591.

ClinVar aggregate classification (germline): Conflicting classifications of pathogenicity. Review status: criteria provided, conflicting classifications (1 of 4 stars). 4 submissions from 4 submitters: Uncertain significance (3); Likely benign (1). Last evaluated 2024-12-30.

Conditions:
Hereditary cancer-predisposing syndrome. Also called: Hereditary neoplastic syndrome; Neoplastic Syndromes, Hereditary; Tumor predisposition; Hereditary Cancer Syndrome. Identifiers: Orphanet 140162, MedGen C0027672, MeSH D009386, MONDO:0015356.
Rhabdoid tumor predisposition syndrome 2 (RTPS2). Identifiers: Orphanet 231108, Orphanet 69077, MedGen C2750074, MONDO:0013224, OMIM 613325.

Allele frequency attached by ClinVar (database versions not stated): ExAC 0.00001; gnomAD exomes 0.00001.
gnomAD v4.1: 14 of 1,604,904 alleles (0.00087%); highest among the groups gnomAD compares: Non-Finnish European, 0.0011%; no homozygotes.

Submissions (4):

GeneDx
Classification: Uncertain significance. Last evaluated: 2024-12-30. Review status: criteria provided, single submitter. Criteria: GeneDx Variant Classification Process June 2021. Collection method: clinical testing. Allele origin: germline. Affected: yes.
Comment: In silico analysis indicates that this missense variant does not alter protein structure/function; Has not been previously published as pathogenic or benign to our knowledge

Ambry Genetics
Classification: Likely benign for Hereditary cancer-predisposing syndrome. Last evaluated: 2024-03-19. Review status: criteria provided, single submitter. Criteria: Ambry Variant Classification Scheme 2023. Collection method: clinical testing. Allele origin: germline.

Labcorp Genetics (formerly Invitae), Labcorp
Classification: Uncertain significance for Rhabdoid tumor predisposition syndrome 2. Last evaluated: 2023-07-07. Review status: criteria provided, single submitter. Criteria: Invitae Variant Classification Sherloc (09022015). Collection method: clinical testing. Allele origin: germline.
Comment: Advanced modeling of protein sequence and biophysical properties (such as structural, functional, and spatial information, amino acid conservation, physicochemical variation, residue mobility, and thermodynamic stability) performed at Invitae indicates that this missense variant is not expected to disrupt SMARCA4 protein function. In summary, the available evidence is currently insufficient to determine the role of this variant in disease. Therefore, it has been classified as a Variant of Uncertain Significance. ClinVar contains an entry for this variant (Variation ID: 835073). This sequence change replaces proline, which is neutral and non-polar, with serine, which is neutral and polar, at codon 283 of the SMARCA4 protein (p.Pro283Ser). This variant is present in population databases (rs775769095, gnomAD 0.003%). This variant has not been reported in the literature in individuals affected with SMARCA4-related conditions.

Sema4
Classification: Uncertain significance for Hereditary cancer-predisposing syndrome. Last evaluated: 2022-01-25. Review status: criteria provided, single submitter. Criteria: Sema4 Curation Guidelines. Collection method: curation. Allele origin: germline.
Comment: The SMARCA4 c.847C>T (p.P283S) variant has not been reported in the literature to our knowledge. It was observed in 1/30580 chromosomes of the South Asian subpopulation, in the large and broad cohorts of the Genome Aggregation Database (PMID: 32461654). This variant has been reported in ClinVar (Variation ID 835073). Functional studies have not been performed, and in silico predictions of the variant's effect on protein function are inconclusive. The evidence is insufficient to meet ACMG/AMP criteria for classifying the variant as benign or pathogenic. Thus, the clinical significance of this variant is currently uncertain.